The following is an entry in ClinVar:

NM_014324.6(AMACR):c.200G>T (p.Arg67Leu)

Genes: C1QTNF3-AMACR (C1QTNF3-AMACR readthrough (NMD candidate); minus strand), AMACR (alpha-methylacyl-CoA racemase; minus strand). Cytogenetic location: 5p13.2.
Variant type: single nucleotide variant.
Coding change: c.200G>T on transcript NM_014324.6 (MANE Select); coding-DNA position 200, G replaced by T.
Protein change: p.Arg67Leu; replaces arginine 67 with leucine.
Molecular consequence: missense variant.
Genome position (GRCh38, 1-based): chr5:34,007,820, C>A on the plus strand (G>T on the coding strand, the complement: AMACR is on the minus strand). VCF-style: chr5-34007820-C-A. GRCh37 (hg19) VCF-style: chr5-34007925-C-A.
Other names: c.200G>T, p.Arg67Leu (NM_001167595.2, NM_203382.3); short protein forms R67L.
Identifiers: ClinVar variation 2120383 (VCV002120383.4), dbSNP rs2479033199, ClinGen allele CA359385009.
Genomic context (GRCh38, chr5:34,007,820, plus strand): 5'-GGCCCGGGCTCACCGCGGCGGAAGGGCTCCAGCAGCACATCCGACCGCTTGCACAGACGC[C>A]GCAGCACGGCGGCTCCCCGCGGCTGCTTCAGGTCCAGCACTAGCGAGCGCTTGCCCCGGC-3'
Protein context (NP_055139.4, residues 57-77): LKQPRGAAVL[Arg67Leu]RLCKRSDVLL

ClinVar aggregate classification (germline): Uncertain significance (1 of 4 stars; one submission).

Conditions:
Alpha-methylacyl-CoA racemase deficiency (AMACRD). Also called: AMACR deficiency. Identifiers: Orphanet 79095, MedGen C3280428, MONDO:0013681, OMIM 614307. Disease mechanism: loss of function.

Allele frequency attached by ClinVar (database versions not stated): gnomAD exomes below 0.00001.
gnomAD v4.1: 1 of 1,576,568 alleles (0.000063%); highest among the groups gnomAD compares: South Asian, 0.0011%; no homozygotes.

Submission:

Labcorp Genetics (formerly Invitae), Labcorp
Classification: Uncertain significance for Alpha-methylacyl-CoA racemase deficiency. Last evaluated: 2022-04-01. Review status: criteria provided, single submitter. Criteria: Invitae Variant Classification Sherloc (09022015). Collection method: clinical testing. Allele origin: germline.
Comment: This variant has not been reported in the literature in individuals affected with AMACR-related conditions. This sequence change replaces arginine, which is basic and polar, with leucine, which is neutral and non-polar, at codon 67 of the AMACR protein (p.Arg67Leu). This variant is not present in population databases (gnomAD no frequency). Algorithms developed to predict the effect of missense changes on protein structure and function (SIFT, PolyPhen-2, Align-GVGD) all suggest that this variant is likely to be disruptive. In summary, the available evidence is currently insufficient to determine the role of this variant in disease. Therefore, it has been classified as a Variant of Uncertain Significance.